The following is an entry in ClinVar:

NM_000094.4(COL7A1):c.6652-3del

Gene: COL7A1 (collagen type VII alpha 1 chain; minus strand). Cytogenetic location: 3p21.31.
Variant type: Deletion.
Coding change: c.6652-3del on transcript NM_000094.4 (MANE Select); 3 bases into the intron before coding-DNA position 6652, one base deleted (C; older notation c.6652-3delC).
Molecular consequence: intron variant.
Genome position (GRCh38, 1-based): chr3:48,573,239, G deleted on the plus strand (C on the coding strand, the reverse complement: COL7A1 is on the minus strand); the first of 2 consecutive G bases (chr3:48,573,239-48,573,240); deleting either gives the same sequence. VCF-style (leftmost placement, unchanged base first): chr3-48573238-TG-T. GRCh37 (hg19) VCF-style: chr3-48610671-TG-T.
Identifiers: ClinVar variation 1686590 (VCV001686590.2), dbSNP rs1181199317, ClinGen allele CA543045654.

ClinVar aggregate classification (germline): Uncertain significance. Review status: criteria provided, multiple submitters, no conflicts (2 of 4 stars). 2 submissions from 2 submitters: Uncertain significance (2). Last evaluated 2025-08-08.

Submissions (2):

Labcorp Genetics (formerly Invitae), Labcorp
Classification: Uncertain significance. Last evaluated: 2025-08-08. Review status: criteria provided, single submitter. Criteria: Invitae Variant Classification Sherloc (09022015). Collection method: clinical testing. Allele origin: germline.
Comment: This sequence change falls in intron 83 of the COL7A1 gene. It does not directly change the encoded amino acid sequence of the COL7A1 protein. It affects a nucleotide within the consensus splice site. This variant is present in population databases (no rsID available, gnomAD no frequency). This variant has been observed in individual(s) with clinical features of recessive dystrophic epidermolysis bullosa (internal data). In at least one individual the data is consistent with being in trans (on the opposite chromosome) from a pathogenic variant. ClinVar contains an entry for this variant (Variation ID: 1686590). Variants that disrupt the consensus splice site are a relatively common cause of aberrant splicing (PMID: 17576681, 9536098). Algorithms developed to predict the effect of sequence changes on RNA splicing suggest that this variant is not likely to affect RNA splicing. In summary, the available evidence is currently insufficient to determine the role of this variant in disease. Therefore, it has been classified as a Variant of Uncertain Significance.

Mendelics
Classification: Uncertain significance. Last evaluated: 2022-05-04. Review status: criteria provided, single submitter. Criteria: Mendelics Assertion Criteria 2019. Collection method: clinical testing. Allele origin: germline.

Literature cited by the submitters: PubMed 17576681 (cited by Labcorp Genetics (formerly Invitae), Labcorp); PubMed 9536098 (cited by Labcorp Genetics (formerly Invitae), Labcorp).